The following is an entry in ClinVar:

ClinVar aggregate classification (germline): Pathogenic (1 of 4 stars; one submission).

Conditions:
Mucopolysaccharidosis, MPS-II (MPS2). Also called: Hunter Syndrome; IDURONATE 2-SULFATASE DEFICIENCY; Mucopolysaccharidosis Type II; Mucopolysaccharidosis type 2; Attenuated MPS (subtype; formerly known as mild MPS II); Severe MPS II. Identifiers: Orphanet 580, Orphanet 79388, MedGen C0026705, MONDO:0010674, OMIM 309900.

Submission:

Laboratory of Diagnosis and Therapy of Lysosomal Disorders, University of Padova
Classification: Pathogenic for Mucopolysaccharidosis, MPS-II. Last evaluated: 2024-06-07. Review status: criteria provided, single submitter. Criteria: ACMG Guidelines, 2015. Collection method: literature only. Allele origin: germline. Affected: yes. Observed: 2 variant alleles.
Comment: Null variant (PVS1_VeryStrong), Absent from controls (or at low frequency) in gnomAD database (PM2_Moderate), Cosegregation with disease in multiple affected family members (PP1_Moderate), Patient’s phenotype or family history highly specific for the disease (PP4_Strong)

Classification method: ACMG Guidelines [PMID:25741868] with modifications

Literature cited by the submitters: PubMed 18546295.

NM_000202.8(IDS):c.595A>T (p.Lys199Ter)

Genes: IDS (iduronate 2-sulfatase; minus strand), LOC106050102 (IDS recombination region; plus strand). Cytogenetic location: Xq28.
Variant type: single nucleotide variant.
Coding change: c.595A>T on transcript NM_000202.8 (MANE Select); coding-DNA position 595, A replaced by T.
Protein change: p.Lys199Ter; replaces lysine 199 with a stop codon.
Molecular consequence: nonsense. On other transcripts: non-coding transcript variant (1).
Genome position (GRCh38, 1-based): chrX:149,498,220, T>A on the plus strand (A>T on the coding strand, the complement: IDS is on the minus strand). VCF-style: chrX-149498220-T-A. GRCh37 (hg19) VCF-style: chrX-148579751-T-A.
Other names: c.325A>T, p.Lys109Ter (NM_001166550.4); c.595A>T, p.Lys199Ter (NM_006123.5); short protein forms K109*, K199*.
Identifiers: ClinVar variation 3255776 (VCV003255776.2).
Genomic context (GRCh38, chrX:149,498,220, plus strand): 5'-AAGGACTGGCTGACGTTTTCATCTTTTCCAACAACTGTATGGCTTGCTCAGTGCTCTGTT[T>A]GTCAGGCAAGGTGCCCTCGGGAACATCCAGCACATCCACAGGGCAAAGCAGGTTGGCATG-3'